The following is an entry in ClinVar:

ClinVar aggregate classification (germline): Uncertain significance (1 of 4 stars; one submission).

Conditions:
Inborn genetic diseases. Identifiers: MedGen C0950123, MeSH D030342.

Submission:

Ambry Genetics
Classification: Uncertain significance for Inborn genetic diseases. Last evaluated: 2025-06-09. Review status: criteria provided, single submitter. Criteria: Ambry Variant Classification Scheme 2023. Collection method: clinical testing. Allele origin: germline.
Comment: The p.A120S variant (also known as c.358G>T), located in coding exon 3 of the PAX5 gene, results from a G to T substitution at nucleotide position 358. The alanine at codon 120 is replaced by serine, an amino acid with similar properties. This amino acid position is conserved. In addition, the in silico prediction for this alteration is inconclusive. Based on the available evidence, the clinical significance of this variant remains unclear.

NM_016734.3(PAX5):c.358G>T (p.Ala120Ser)

Gene: PAX5 (paired box 5; minus strand). Cytogenetic location: 9p13.2.
Variant type: single nucleotide variant.
Coding change: c.358G>T on transcript NM_016734.3 (MANE Select); coding-DNA position 358, G replaced by T.
Protein change: p.Ala120Ser; replaces alanine 120 with serine.
Molecular consequence: missense variant. On other transcripts: non-coding transcript variant (2), intron variant (1).
Genome position (GRCh38, 1-based): chr9:37,015,049, C>A on the plus strand (G>T on the coding strand, the complement: PAX5 is on the minus strand). VCF-style: chr9-37015049-C-A. GRCh37 (hg19) VCF-style: chr9-37015046-C-A.
Other names: c.358G>T, p.Ala120Ser (NM_001280547.2, NM_001280548.2, NM_001280549.2 and 4 more transcripts); c.34G>T, p.Ala12Ser (NM_001280551.2, NM_001280556.2); c.212+5587G>T (NM_001280555.2); short protein forms A120S, A12S.
Identifiers: ClinVar variation 3928356 (VCV003928356.1).